The following is an entry in ClinVar:

ClinVar aggregate classification (germline): Likely benign. Review status: criteria provided, multiple submitters, no conflicts (2 of 4 stars). 2 submissions from 2 submitters: Likely benign (2). Last evaluated 2026-06-17.

Allele frequency attached by ClinVar (database versions not stated): gnomAD 0.00001; gnomAD exomes 0.00001; TOPMed 0.00002; ExAC 0.00001.
gnomAD v4.1: 14 of 1,613,612 alleles (0.00087%); highest among the groups gnomAD compares: Admixed American, 0.017%; no homozygotes.

Submissions (2):

Women's Health and Genetics/Laboratory Corporation of America, LabCorp
Classification: Likely benign. Last evaluated: 2026-06-17. Review status: criteria provided, single submitter. Criteria: LabCorp Variant Classification Summary - May 2015. Collection method: clinical testing. Allele origin: germline.
Comment: Variant summary: IGF1R c.954-14T>G alters a non-conserved nucleotide located at a position not widely known to affect splicing. Consensus agreement among computation tools predict no significant impact on normal splicing. However, these predictions have yet to be confirmed by functional studies. The variant allele was found at a frequency of 4e-06 in 250956 control chromosomes. The available data on variant occurrences in the general population are insufficient to allow any conclusion about variant significance. To our knowledge, no occurrence of c.954-14T>G in individuals affected with IGF1R-related conditions and no experimental evidence demonstrating its impact on protein function have been reported. ClinVar contains an entry for this variant (Variation ID: 1899912). Based on the evidence outlined above, the variant was classified as likely benign.

Labcorp Genetics (formerly Invitae), Labcorp
Classification: Likely benign. Last evaluated: 2025-11-19. Review status: criteria provided, single submitter. Criteria: Invitae Variant Classification Sherloc (09022015). Collection method: clinical testing. Allele origin: germline.

NM_000875.5(IGF1R):c.954-14T>G

Genes: IGF1R (insulin like growth factor 1 receptor; plus strand), LOC126862245 (P300/CBP strongly-dependent group 1 enhancer GRCh37_chr15:99439536-99440735; plus strand). Cytogenetic location: 15q26.3.
Variant type: single nucleotide variant.
Coding change: c.954-14T>G on transcript NM_000875.5 (MANE Select); 14 bases into the intron before coding-DNA position 954, T replaced by G.
Molecular consequence: intron variant.
Genome position (GRCh38, 1-based): chr15:98,896,743, T>G. VCF-style: chr15-98896743-T-G. GRCh37 (hg19) VCF-style: chr15-99439972-T-G.
Other names: c.954-14T>G (NM_001291858.2).
Identifiers: ClinVar variation 1899912 (VCV001899912.6), dbSNP rs779245223, ClinGen allele CA7751980.